The following is an entry in ClinVar:

ClinVar aggregate classification (germline): Uncertain significance (1 of 4 stars; one submission).

Submission:

GeneDx
Classification: Uncertain significance. Last evaluated: 2019-05-17. Review status: criteria provided, single submitter. Criteria: GeneDx Variant Classification Process June 2021. Collection method: clinical testing. Allele origin: germline. Affected: yes.
Comment: Not observed in large population cohorts (Lek et al., 2016); In silico analysis, which includes protein predictors and evolutionary conservation, supports a deleterious effect; Has not been previously published as pathogenic or benign to our knowledge

NM_002474.3(MYH11):c.3287T>C (p.Leu1096Pro)

Gene: MYH11 (myosin heavy chain 11; minus strand). Cytogenetic location: 16p13.11.
Variant type: single nucleotide variant.
Coding change: c.3287T>C on transcript NM_002474.3 (MANE Select); coding-DNA position 3287, T replaced by C.
Protein change: p.Leu1096Pro; replaces leucine 1096 with proline.
Molecular consequence: missense variant.
Genome position (GRCh38, 1-based): chr16:15,737,455, A>G on the plus strand (T>C on the coding strand, the complement: MYH11 is on the minus strand). VCF-style: chr16-15737455-A-G. GRCh37 (hg19) VCF-style: chr16-15831312-A-G.
Other names: c.3308T>C, p.Leu1103Pro (NM_001040113.2, NM_001040114.2); c.3287T>C, p.Leu1096Pro (NM_022844.3); short protein forms L1096P, L1103P.
Identifiers: ClinVar variation 1316928 (VCV001316928.2), dbSNP rs2151244008, ClinGen allele CA394862728.
Genomic context (GRCh38, chr16:15,737,455, plus strand): 5'-GGGGCCCAGGGGATACATGGACACACAGCAAATGCCCCTTGCCAGCCCCGCTACCTGGCC[A>G]GGGCCGCCTGCAGCTCCTCCTCCTTCTTGGCCAGCTGCATCTTGAGCTCTGCGATCTGCG-3'
Protein context (NP_002465.1, residues 1086-1106): AKKEEELQAA[Leu1096Pro]ARLDDEIAQK